The following is an entry in ClinVar:

NM_022575.4(VPS16):c.2198C>T (p.Ala733Val)

Genes: PTPRA (protein tyrosine phosphatase receptor type A; plus strand), VPS16 (VPS16 core subunit of CORVET and HOPS complexes; plus strand). Cytogenetic location: 20p13.
Variant type: single nucleotide variant.
Coding change: c.2198C>T on transcript NM_022575.4 (MANE Select); coding-DNA position 2198, C replaced by T.
Protein change: p.Ala733Val; replaces alanine 733 with valine.
Molecular consequence: missense variant. On other transcripts: intron variant (1).
Genome position (GRCh38, 1-based): chr20:2,865,422, C>T. VCF-style: chr20-2865422-C-T. GRCh37 (hg19) VCF-style: chr20-2846068-C-T.
Other names: c.1766C>T, p.Ala589Val (NM_080413.3); c.-129+105C>T (NM_002836.4); short protein forms A589V, A733V.
Identifiers: ClinVar variation 4986571 (VCV004986571.1).

ClinVar aggregate classification (germline): Uncertain significance (1 of 4 stars; one submission).

Conditions:
VPS16-related disorder. Also called: VPS16-related condition.

gnomAD v4.1: 5 of 1,614,070 alleles (0.00031%); highest among the groups gnomAD compares: African/African-American, 0.0067%; no homozygotes.

Submission:

PreventionGenetics, part of Exact Sciences
Classification: Uncertain significance for VPS16-related condition. Last evaluated: 2025-02-27. Review status: criteria provided, single submitter. Criteria: ACMG Guidelines, 2015. Collection method: clinical testing. Allele origin: germline.
Comment: The VPS16 c.2198C>T variant is predicted to result in the amino acid substitution p.Ala733Val. To our knowledge, this variant has not been reported in the literature. This variant is reported in 0.0062% of alleles in individuals of African descent in gnomAD. At this time, the clinical significance of this variant is uncertain due to the absence of conclusive functional and genetic evidence.